The following is an entry in ClinVar:

NM_001379081.2(FREM1):c.2338-5T>G

Gene: FREM1 (FRAS1 related extracellular matrix 1; minus strand). Cytogenetic location: 9p22.3.
Variant type: single nucleotide variant.
Coding change: c.2338-5T>G on transcript NM_001379081.2 (MANE Select); 5 bases into the intron before coding-DNA position 2338, T replaced by G.
Molecular consequence: intron variant.
Genome position (GRCh38, 1-based): chr9:14,819,447, A>C on the plus strand (T>G on the coding strand, the complement: FREM1 is on the minus strand). VCF-style: chr9-14819447-A-C. GRCh37 (hg19) VCF-style: chr9-14819445-A-C.
Other names: c.2338-5T>G (NM_144966.7).
Identifiers: ClinVar variation 3058183 (VCV003058183.2), dbSNP rs1346001827, ClinGen allele CA586241370.

ClinVar aggregate classification (germline): Likely benign (0 of 4 stars; one submission).

Conditions:
FREM1-related disorder. Also called: FREM1-Related Disorders; FREM1-related condition.

Allele frequency attached by ClinVar (database versions not stated): gnomAD 0.00001.
gnomAD v4.1: 1 of 1,592,612 alleles (0.000063%); highest among the groups gnomAD compares: African/African-American, 0.0013%; no homozygotes.

Submission:

PreventionGenetics, part of Exact Sciences
Classification: Likely benign for FREM1-related condition. Last evaluated: 2020-03-17. Review status: no assertion criteria provided. Collection method: clinical testing. Allele origin: germline.
Comment: This variant is classified as likely benign based on ACMG/AMP sequence variant interpretation guidelines (Richards et al. 2015 PMID: 25741868, with internal and published modifications).